The following is an entry in ClinVar:

NM_000455.5(STK11):c.-580G>A

Gene: STK11 (serine/threonine kinase 11; plus strand). Cytogenetic location: 19p13.3.
Variant type: single nucleotide variant.
Coding change: c.-580G>A on transcript NM_000455.5 (MANE Select); 580 bases upstream of the start codon, G replaced by A.
Molecular consequence: 5 prime UTR variant.
Genome position (GRCh38, 1-based): chr19:1,206,334, G>A. VCF-style: chr19-1206334-G-A. GRCh37 (hg19) VCF-style: chr19-1206333-G-A.
Identifiers: ClinVar variation 888659 (VCV000888659.4), dbSNP rs548605358, ClinGen allele CA304016317.

ClinVar aggregate classification (germline): Benign (1 of 4 stars; one submission).

Conditions:
Peutz-Jeghers syndrome (PJS). Also called: POLYPOSIS, HAMARTOMATOUS INTESTINAL; POLYPS-AND-SPOTS SYNDROME; Peutz-Jeghers polyposis; Periorificial lentiginosis syndrome. Identifiers: Orphanet 2869, MedGen C0031269, MeSH D010580, MONDO:0008280, OMIM 175200.

Allele frequency attached by ClinVar (database versions not stated): 1000 Genomes Project 0.00020; gnomAD 0.00096 and 0.00098; TOPMed 0.00115; 1000 Genomes Project 30x 0.00156.

Submission:

Illumina Laboratory Services, Illumina
Classification: Benign for Peutz-Jeghers syndrome. Last evaluated: 2018-04-16. Review status: criteria provided, single submitter. Criteria: ICSL Variant Classification Criteria 13 December 2019. Collection method: clinical testing. Allele origin: germline.
Comment: This variant was observed as part of a predisposition screen in an ostensibly healthy population. A literature search was performed for the gene, cDNA change, and amino acid change (where applicable). No publications were found based on this search. Allele frequency data from public databases was too high to be consistent with this variant causing disease. Therefore, this variant is classified as benign.